The following is an entry in ClinVar:

ClinVar aggregate classification (germline): Conflicting classifications of pathogenicity. Review status: criteria provided, conflicting classifications (1 of 4 stars). 10 submissions from 10 submitters: Uncertain significance (6); Likely benign (2). 2 of the submissions do not count toward it. Last evaluated 2025-02-20.

Conditions:
Hereditary cancer-predisposing syndrome. Also called: Tumor predisposition; Neoplastic Syndromes, Hereditary; Hereditary neoplastic syndrome; Hereditary Cancer Syndrome. Identifiers: Orphanet 140162, MedGen C0027672, MeSH D009386, MONDO:0015356.
Hereditary breast ovarian cancer syndrome. Also called: Hereditary breast and ovarian cancer syndrome; Hereditary breast and ovarian cancer syndrome (HBOC); Hereditary breast and ovarian cancer; Breast and ovarian cancer; BRCA1- and BRCA2-Associated Hereditary Breast and Ovarian Cancer; Hereditary breast and/or ovarian cancer syndrome. Identifiers: Orphanet 145, MedGen C0677776, MeSH D061325, MONDO:0003582. Disease mechanism: loss of function.
Ataxia-telangiectasia syndrome (AT). Also called: LOUIS-BAR SYNDROME; Ataxia-telangiectasia, complementation group D; AT, COMPLEMENTATION GROUP C; ATAXIA-TELANGIECTASIA, COMPLEMENTATION GROUP A; ATAXIA-TELANGIECTASIA, FRESNO VARIANT; Ataxia-telangiectasia. Identifiers: Orphanet 100, MedGen C0004135, MONDO:0008840, OMIM 208900.

Allele frequency attached by ClinVar (database versions not stated): 1000 Genomes Project 30x 0.00016; 1000 Genomes Project 0.00020.
gnomAD v4.1: 119 of 1,613,982 alleles (0.0074%); highest among the groups gnomAD compares: East Asian, 0.26%; no homozygotes.

Submissions (10):

Ambry Genetics
Classification: Likely benign for Hereditary cancer-predisposing syndrome. Last evaluated: 2025-02-20. Review status: criteria provided, single submitter. Criteria: Ambry Variant Classification Scheme 2023. Collection method: clinical testing. Allele origin: germline.

Women's Health and Genetics/Laboratory Corporation of America, LabCorp
Classification: Uncertain significance. Last evaluated: 2025-02-11. Review status: criteria provided, single submitter. Criteria: LabCorp Variant Classification Summary - May 2015. Collection method: clinical testing. Allele origin: germline.
Comment: Variant summary: ATM c.2804C>G (p.Thr935Arg) results in a non-conservative amino acid change in the encoded protein sequence. Four of five in-silico tools predict a benign effect of the variant on protein function. The variant allele was found at a frequency of 0.00021 in 1660938 control chromosomes, predominantly at a frequency of 0.0026 within the East Asian subpopulation in the gnomAD database. This frequency is not significantly higher than estimated for a pathogenic variant in ATM causing Ataxia-Telangiectasia (0.00021 vs 0.004), allowing no conclusion about variant significance. c.2804C>G has been reported in the literature predominantly in reports of East Asian/Japanese cohorts of unaffected controls and in ethnicity-matched individuals affected with breast/colorectal cancer and/or with a personal/family history of cancer (example, Jiang_2018, Mangone_2015, Fujita_2020, Terashima_2019, Momozawa_2018). These reports do not provide unequivocal conclusions about association of the variant with Breast Cancer or Ataxia Telangiectasia. At least one recent report classifies this variant as benign based on a high frequency in Japanese population (Fujita_2020). It has also been reported at an allele frequency of 0.0061 in the Japanese Whole Genome Reference Panel (ToMMo 38KJPN) dataset of 38,000 Japanese individuals, including 7 homozygotes, suggesting it is a benign polymorphism found primarily in individuals of East Asian/Japanese ancestry. To our knowledge, no experimental evidence demonstrating an impact on protein function has been reported. The following publications have been ascertained in the context of this evaluation (PMID: 33309985, 29642553, 25625042, 30287823, 31666926). ClinVar contains an entry for this variant (Variation ID: 185083). Based on the evidence outlined above, the variant was classified as uncertain significance.

Labcorp Genetics (formerly Invitae), Labcorp
Classification: Uncertain significance for Ataxia-telangiectasia syndrome. Last evaluated: 2025-02-02. Review status: criteria provided, single submitter. Criteria: Invitae Variant Classification Sherloc (09022015). Collection method: clinical testing. Allele origin: germline.
Comment: This sequence change replaces threonine, which is neutral and polar, with arginine, which is basic and polar, at codon 935 of the ATM protein (p.Thr935Arg). This variant is present in population databases (rs3218708, gnomAD 0.02%). This missense change has been observed in individual(s) with breast cancer, biliary tract cancer, uterus cancer (PMID: 25625042, 34326862, 36243179). ClinVar contains an entry for this variant (Variation ID: 185083). Invitae Evidence Modeling of protein sequence and biophysical properties (such as structural, functional, and spatial information, amino acid conservation, physicochemical variation, residue mobility, and thermodynamic stability) indicates that this missense variant is not expected to disrupt ATM protein function with a negative predictive value of 95%. In summary, the available evidence is currently insufficient to determine the role of this variant in disease. Therefore, it has been classified as a Variant of Uncertain Significance.

Color Diagnostics, LLC DBA Color Health
Classification: Uncertain significance for Hereditary cancer-predisposing syndrome. Last evaluated: 2024-10-29. Review status: criteria provided, single submitter. Criteria: ACMG Guidelines, 2015. Collection method: clinical testing. Allele origin: germline.
Comment: This missense variant replaces threonine with arginine at codon 935 of the ATM protein. Computational prediction suggests that this variant may not impact protein structure and function. To our knowledge, functional studies have not been reported for this variant. This variant has been reported in individuals affected with breast cancer (PMID: 25625042, 33471991). In a Japanese colorectal cancer risk case-control study, this variant was reported in 99/12502 colorectal cancer cases and 226/23704 controls (PMID: 33309985). This variant has been identified in 5/251396 chromosomes in the general population by the Genome Aggregation Database (gnomAD). The available evidence is insufficient to determine the role of this variant in disease conclusively. Therefore, this variant is classified as a Variant of Uncertain Significance.

GeneDx
Classification: Uncertain significance. Last evaluated: 2023-02-22. Review status: criteria provided, single submitter. Criteria: GeneDx Variant Classification Process June 2021. Collection method: clinical testing. Allele origin: germline. Affected: yes.
Comment: In silico analysis supports that this missense variant does not alter protein structure/function; Observed in individuals with breast or colorectal cancer as well as unaffected controls (Mangone et al., 2015; Momozawa et al., 2018; Fujita et al., 2020); This variant is associated with the following publications: (PMID: 25625042, 29642553, 33309985, 30287823, 31666926)

Blueprint Genetics
Classification: Uncertain significance. Last evaluated: 2021-12-29. Review status: criteria provided, single submitter. Criteria: ACMG Guidelines, 2015. Collection method: clinical testing. Allele origin: germline.

Cancer Genomics Group, Japanese Foundation For Cancer Research
Classification: Likely benign for Hereditary breast and ovarian cancer syndrome. Last evaluated: 2019-05-01. Review status: criteria provided, single submitter. Criteria: ACMG Guidelines, 2015. Collection method: research. Allele origin: germline. Affected: yes.

Illumina Laboratory Services, Illumina
Classification: Uncertain significance for Ataxia-telangiectasia syndrome. Last evaluated: 2017-04-28. Review status: criteria provided, single submitter. Criteria: ICSL Variant Classification Criteria 13 December 2019. Collection method: clinical testing. Allele origin: germline.
Comment: This variant was observed as part of a predisposition screen in an ostensibly healthy population. A literature search was performed for the gene, cDNA change, and amino acid change (where applicable). Publications were found based on this search. However, the evidence from the literature, in combination with allele frequency data from public databases where available, was not sufficient to rule this variant in or out of causing disease. Therefore, this variant is classified as a variant of unknown significance.

Natera, Inc.
Classification: Uncertain significance for Ataxia-telangiectasia. Last evaluated: 2020-09-16. Review status: no assertion criteria provided. Collection method: clinical testing. Allele origin: germline. Not counted in ClinVar's aggregate classification.

Counsyl
Classification: Uncertain significance for Ataxia-telangiectasia syndrome. Last evaluated: 2018-06-07. Review status: no assertion criteria provided. Collection method: clinical testing. Allele origin: unknown. Not counted in ClinVar's aggregate classification.

Literature cited by the submitters: PubMed 25625042 (cited by 5 submitters); PubMed 30287823 (cited by Ambry Genetics and Women's Health and Genetics/Laboratory Corporation of America, LabCorp); PubMed 31666926 (cited by Ambry Genetics and Women's Health and Genetics/Laboratory Corporation of America, LabCorp); PubMed 33309985 (cited by 3 submitters); PubMed 29642553 (cited by Women's Health and Genetics/Laboratory Corporation of America, LabCorp); PubMed 34326862 (cited by Labcorp Genetics (formerly Invitae), Labcorp); PubMed 36243179 (cited by Labcorp Genetics (formerly Invitae), Labcorp); PubMed 33471991 (cited by Color Diagnostics, LLC DBA Color Health).

NM_000051.4(ATM):c.2804C>G (p.Thr935Arg)

Gene: ATM (ATM serine/threonine kinase; plus strand). Cytogenetic location: 11q22.3.
Variant type: single nucleotide variant.
Coding change: c.2804C>G on transcript NM_000051.4 (MANE Select); coding-DNA position 2804, C replaced by G.
Protein change: p.Thr935Arg; replaces threonine 935 with arginine.
Molecular consequence: missense variant.
Genome position (GRCh38, 1-based): chr11:108,268,575, C>G. VCF-style: chr11-108268575-C-G. GRCh37 (hg19) VCF-style: chr11-108139302-C-G.
Other names: c.2804C>G, p.Thr935Arg (NM_001351834.2); short protein forms T935R.
Identifiers: ClinVar variation 185083 (VCV000185083.39), dbSNP rs3218708, ClinGen allele CA190962.